The following is an entry in ClinVar:

NM_033380.3(COL4A5):c.857G>C (p.Gly286Ala)

Gene: COL4A5 (collagen type IV alpha 5 chain; plus strand). Cytogenetic location: Xq22.3.
Variant type: single nucleotide variant.
Coding change: c.857G>C on transcript NM_033380.3 (MANE Select); coding-DNA position 857, G replaced by C.
Protein change: p.Gly286Ala; replaces glycine 286 with alanine.
Molecular consequence: missense variant.
Genome position (GRCh38, 1-based): chrX:108,580,704, G>C. VCF-style: chrX-108580704-G-C. GRCh37 (hg19) VCF-style: chrX-107823934-G-C.
Other names: c.857G>C, p.Gly286Ala (NM_000495.5); short protein forms G286A.
Identifiers: ClinVar variation 2733476 (VCV002733476.3), dbSNP rs2524245254, ClinGen allele CA413926228.

ClinVar aggregate classification (germline): Likely pathogenic (1 of 4 stars; one submission).

Submission:

Labcorp Genetics (formerly Invitae), Labcorp
Classification: Likely pathogenic. Last evaluated: 2023-06-29. Review status: criteria provided, single submitter. Criteria: Invitae Variant Classification Sherloc (09022015). Collection method: clinical testing. Allele origin: germline.
Comment: This sequence change replaces glycine, which is neutral and non-polar, with alanine, which is neutral and non-polar, at codon 286 of the COL4A5 protein (p.Gly286Ala). This variant is not present in population databases (gnomAD no frequency). This variant has not been reported in the literature in individuals affected with COL4A5-related conditions. Advanced modeling of protein sequence and biophysical properties (such as structural, functional, and spatial information, amino acid conservation, physicochemical variation, residue mobility, and thermodynamic stability) performed at Invitae indicates that this missense variant is expected to disrupt COL4A5 protein function. This variant disrupts the triple helix domain of COL4A5. Glycine residues within the Gly-Xaa-Yaa repeats of the triple helix domain are required for the structure and stability of fibrillar collagens (PMID: 7695699, 8218237, 19344236). In COL4A5, missense variants at these glycine residues are significantly enriched in individuals with disease (PMID: 23720012, 27627812) compared to the general population (ExAC). In summary, the currently available evidence indicates that the variant is pathogenic, but additional data are needed to prove that conclusively. Therefore, this variant has been classified as Likely Pathogenic.

Literature cited by the submitters: PubMed 7695699; PubMed 8218237; PubMed 19344236; PubMed 23720012; PubMed 27627812.